The following is an entry in ClinVar:

ClinVar aggregate classification (germline): Pathogenic/Likely pathogenic. Review status: criteria provided, multiple submitters, no conflicts (2 of 4 stars). 2 submissions from 2 submitters: Pathogenic (1); Likely pathogenic (1). Last evaluated 2024-05-09.

Conditions:
Alstrom syndrome (ALMS). Identifiers: Orphanet 64, MedGen C0268425, MONDO:0008763, OMIM 203800.

Submissions (2):

Labcorp Genetics (formerly Invitae), Labcorp
Classification: Pathogenic for Alstrom syndrome. Last evaluated: 2024-05-09. Review status: criteria provided, single submitter. Criteria: Invitae Variant Classification Sherloc (09022015). Collection method: clinical testing. Allele origin: germline.
Comment: This sequence change creates a premature translational stop signal (p.Tyr3269*) in the ALMS1 gene. It is expected to result in an absent or disrupted protein product. Loss-of-function variants in ALMS1 are known to be pathogenic (PMID: 17594715). This variant is not present in population databases (gnomAD no frequency). This variant has not been reported in the literature in individuals affected with ALMS1-related conditions. ClinVar contains an entry for this variant (Variation ID: 1452837). For these reasons, this variant has been classified as Pathogenic.

MGZ Medical Genetics Center
Classification: Likely pathogenic for Alstrom syndrome. Last evaluated: 2022-01-04. Review status: criteria provided, single submitter. Criteria: ACMG Guidelines, 2015. Collection method: clinical testing. Allele origin: germline. Affected: yes. Observed: 1 variant allele.
Comment: ACMG criteria applied: PVS1, PM2_SUP

Literature cited by the submitters: PubMed 17594715 (cited by Labcorp Genetics (formerly Invitae), Labcorp).

NM_001378454.1(ALMS1):c.9804T>A (p.Tyr3268Ter)

Gene: ALMS1 (ALMS1 centrosome and basal body associated protein; plus strand). Cytogenetic location: 2p13.1.
Variant type: single nucleotide variant.
Coding change: c.9804T>A on transcript NM_001378454.1 (MANE Select); coding-DNA position 9804, T replaced by A.
Protein change: p.Tyr3268Ter; replaces tyrosine 3268 with a stop codon.
Molecular consequence: nonsense.
Genome position (GRCh38, 1-based): chr2:73,534,846, T>A. VCF-style: chr2-73534846-T-A. GRCh37 (hg19) VCF-style: chr2-73761973-T-A.
Other names: c.9807T>A, p.Tyr3269Ter (NM_015120.4); short protein forms Y3268*, Y3269*.
Identifiers: ClinVar variation 1452837 (VCV001452837.8), dbSNP rs368412850, ClinGen allele CA347263476.